The following is an entry in ClinVar:

NM_017679.5(BCAS3):c.1684G>A (p.Gly562Arg)

Genes: BCAS3 (BCAS3 microtubule associated cell migration factor; plus strand), BCAS3-AS1 (BCAS3 antisense RNA 1; minus strand). Cytogenetic location: 17q23.2.
Variant type: single nucleotide variant.
Coding change: c.1684G>A on transcript NM_017679.5 (MANE Select); coding-DNA position 1684, G replaced by A.
Protein change: p.Gly562Arg; replaces glycine 562 with arginine.
Molecular consequence: missense variant.
Genome position (GRCh38, 1-based): chr17:61,034,712, G>A. VCF-style: chr17-61034712-G-A. GRCh37 (hg19) VCF-style: chr17-59112073-G-A.
Other names: c.1729G>A, p.Gly577Arg (NM_001099432.3, NM_001330413.2, NM_001353146.2); c.1684G>A, p.Gly562Arg (NM_001320470.3, NM_001330414.2); c.1819G>A, p.Gly607Arg (NM_001353144.2); c.1774G>A, p.Gly592Arg (NM_001353145.2); short protein forms G562R, G577R, G592R, G607R.
Identifiers: ClinVar variation 993271 (VCV000993271.7), dbSNP rs772813265, ClinGen allele CA8688465.

ClinVar aggregate classification (germline): Uncertain significance. Review status: criteria provided, single submitter (1 of 4 stars). 3 submissions from 3 submitters: Uncertain significance (1). 2 of the submissions do not count toward it. Last evaluated 2025-11-25.

Conditions:
Global developmental delay (DD). Also called: Cognitive delay. Identifiers: MedGen C0557874, HP:0001263. Disease mechanism: loss of function.
Hengel-Maroofian-Schols syndrome. Also called: NEURODEVELOPMENTAL DISORDER WITH SPASTICITY, FACIAL DYSMORPHISM, AND BRAIN ABNORMALITIES; Global developmental delay-intellectual disability-microcephaly-short stature-brain iron accumulation syndrome. Identifiers: Orphanet 697067, MedGen C5562032, MONDO:0859208, OMIM 619641.

Allele frequency attached by ClinVar (database versions not stated): gnomAD exomes 0.00001 and 0.00002; ExAC 0.00002; TOPMed below 0.00001; gnomAD 0.00001.
gnomAD v4.1: 18 of 1,611,958 alleles (0.0011%); highest among the groups gnomAD compares: East Asian, 0.0067%; no homozygotes.

Submissions (3):

Dasa
Classification: Uncertain significance. Last evaluated: 2025-11-25. Review status: criteria provided, single submitter. Criteria: DASA Assertion Criteria. Collection method: clinical testing. Allele origin: germline.
Comment: NM_017679.5(BCAS3):c.1684G>A (p.Gly562Arg) is a missense variant that results in the substitution of glycine with arginine. This variant has been reported in individuals with BCAS3-related disorders (PMID: 34022130). Functional evidence supports an impact on the gene or gene product (PMID: 34022130). Also, this variant is rare in population databases. The currently available literature and clinical evidence are not sufficient to establish a definitive association between this variant and the reported condition. Therefore, this variant is classified as a variant of uncertain significance.

OMIM
Classification: Pathogenic for HENGEL-MAROOFIAN-SCHOLS SYNDROME. Last evaluated: 2023-09-12. Review status: no assertion criteria provided. Collection method: literature only. Allele origin: germline. Not counted in ClinVar's aggregate classification.

Section for Clinical Neurogenetics, University of Tübingen
Classification: Likely pathogenic for global developmental delay. Last evaluated: 2021-01-12. Review status: no assertion criteria provided. Collection method: research. Allele origin: germline. Affected: yes. Not counted in ClinVar's aggregate classification.

Literature cited by the submitters: PubMed 34022130 (cited by Dasa and OMIM).